The following is an entry in ClinVar:

ClinVar aggregate classification (germline): Conflicting classifications of pathogenicity. Review status: criteria provided, conflicting classifications (1 of 4 stars). 2 submissions from 2 submitters: Uncertain significance (1); Benign (1). Last evaluated 2018-01-13.

Conditions:
Pitt-Hopkins-like syndrome 2 (PTHSL2). Identifiers: Orphanet 221150, Orphanet 600663, MedGen C3280479, MONDO:0013690, OMIM 614325.

Allele frequency attached by ClinVar (database versions not stated): gnomAD 0.00095 and 0.00096; TOPMed 0.00121; gnomAD exomes 0.00122 and 0.00211; ExAC 0.00500.
gnomAD v4.1: 2,723 of 1,380,216 alleles (0.2%); highest among the groups gnomAD compares: Non-Finnish European, 0.25%; 8 homozygotes.

Submissions (2):

Illumina Laboratory Services, Illumina
Classification: Uncertain significance for Pitt-Hopkins-like syndrome 2. Last evaluated: 2018-01-13. Review status: criteria provided, single submitter. Criteria: ICSL Variant Classification Criteria 13 December 2019. Collection method: clinical testing. Allele origin: germline.

GeneDx
Classification: Benign. Last evaluated: 2013-11-26. Review status: criteria provided, single submitter. Criteria: GeneDx Variant Classification (06012015). Collection method: clinical testing. Allele origin: germline. Affected: yes.
Comment: This variant is considered likely benign or benign based on one or more of the following criteria: it is a conservative change, it occurs at a poorly conserved position in the protein, it is predicted to be benign by multiple in silico algorithms, and/or has population frequency not consistent with disease.

NM_001330078.2(NRXN1):c.-34C>A

Gene: NRXN1 (neurexin 1; minus strand). Cytogenetic location: 2p16.3.
Variant type: single nucleotide variant.
Coding change: c.-34C>A on transcript NM_001330078.2 (MANE Select); 34 bases upstream of the start codon, C replaced by A.
Molecular consequence: 5 prime UTR variant.
Genome position (GRCh38, 1-based): chr2:51,028,307, G>T on the plus strand (C>A on the coding strand, the complement: NRXN1 is on the minus strand). VCF-style: chr2-51028307-G-T. GRCh37 (hg19) VCF-style: chr2-51255445-G-T.
Other names: c.-34C>A (NM_001135659.3, NM_001330077.2, NM_001330079.2 and 15 more transcripts).
Identifiers: ClinVar variation 138548 (VCV000138548.5), dbSNP rs200335720, ClinGen allele CA292595.